The following is an entry in ClinVar:

NM_001008537.3(NEXMIF):c.1955A>G (p.Gln652Arg)

Gene: NEXMIF (neurite extension and migration factor; minus strand). Cytogenetic location: Xq13.3.
Variant type: single nucleotide variant.
Coding change: c.1955A>G on transcript NM_001008537.3 (MANE Select); coding-DNA position 1955, A replaced by G.
Protein change: p.Gln652Arg; replaces glutamine 652 with arginine.
Molecular consequence: missense variant.
Genome position (GRCh38, 1-based): chrX:74,742,602, T>C on the plus strand (A>G on the coding strand, the complement: NEXMIF is on the minus strand). VCF-style: chrX-74742602-T-C. GRCh37 (hg19) VCF-style: chrX-73962437-T-C.
Other names: short protein forms Q652R.
Identifiers: ClinVar variation 2573708 (VCV002573708.1), dbSNP rs2519914707, ClinGen allele CA413669313.
Genomic context (GRCh38, chrX:74,742,602, plus strand): 5'-TTTAGGCCTCCATCTTCTTTATGATTACTAGCGTGCCTCTGATCATTACATAATGAAATC[T>C]GTTTACTACTTGCTGAAATTTCAATGGATGGGATTCTTTGAATCCTGTGCCTGTTGCCAA-3'
Protein context (NP_001008537.1, residues 642-662): PSIEISASSK[Gln652Arg]ISLCNDQRHA

ClinVar aggregate classification (germline): Uncertain significance (1 of 4 stars; one submission).

Submission:

GeneDx
Classification: Uncertain significance. Last evaluated: 2023-01-19. Review status: criteria provided, single submitter. Criteria: GeneDx Variant Classification Process June 2021. Collection method: clinical testing. Allele origin: germline. Affected: yes.
Comment: Not observed at significant frequency in large population cohorts (gnomAD); In silico analysis supports that this missense variant does not alter protein structure/function; Has not been previously published as pathogenic or benign to our knowledge